The following is an entry in ClinVar:

NM_198880.3(QRICH1):c.1649A>G (p.Tyr550Cys)

Gene: QRICH1 (glutamine rich 1; minus strand). Cytogenetic location: 3p21.31.
Variant type: single nucleotide variant.
Coding change: c.1649A>G on transcript NM_198880.3 (MANE Select); coding-DNA position 1649, A replaced by G.
Protein change: p.Tyr550Cys; replaces tyrosine 550 with cysteine.
Molecular consequence: missense variant.
Genome position (GRCh38, 1-based): chr3:49,046,447, T>C on the plus strand (A>G on the coding strand, the complement: QRICH1 is on the minus strand). VCF-style: chr3-49046447-T-C. GRCh37 (hg19) VCF-style: chr3-49083880-T-C.
Other names: c.1649A>G, p.Tyr550Cys (NM_001320580.2, NM_001320581.2, NM_001320582.2 and 4 more transcripts); c.1649A>G (NM_017730.2); short protein forms Y550C.
Identifiers: ClinVar variation 1329924 (VCV001329924.8), dbSNP rs2106862882, ClinGen allele CA352758794.
Genomic context (GRCh38, chr3:49,046,447, plus strand): 5'-ACAGCTCAAACATGTTCTTGTGAAGATCTGTTTCCTACCTTTTGAATACACAGGAAAATA[T>C]AGTAGAGCACATCTGGGTCATAGGGTTCACCTTCTCCATTTCGAGCTTCCCGTGTCATTA-3'
Protein context (NP_942581.1, residues 540-560): GEPYDPDVLY[Tyr550Cys]IFLCIQKYLF

ClinVar aggregate classification (germline): Conflicting classifications of pathogenicity. Review status: criteria provided, conflicting classifications (1 of 4 stars). 4 submissions from 4 submitters: Pathogenic (1); Likely pathogenic (2); Uncertain significance (1). Last evaluated 2026-07-30.

Conditions:
Ververi-Brady syndrome. Identifiers: MedGen C4693824, MONDO:0979877.
Inborn genetic diseases. Identifiers: MedGen C0950123, MeSH D030342.

Allele frequency attached by ClinVar (database versions not stated): gnomAD exomes below 0.00001.
gnomAD v4.1: 1 of 1,613,890 alleles (0.000062%); highest among the groups gnomAD compares: Non-Finnish European, 0.000085%; no homozygotes.

Submissions (4):

GeneDx
Classification: Pathogenic. Last evaluated: 2026-07-30. Review status: criteria provided, single submitter. Criteria: GeneDx Variant Classification Process June 2021. Collection method: clinical testing. Allele origin: germline.
Comment: Not observed at significant frequency in large population cohorts (gnomAD); In silico analysis supports that this missense variant has a deleterious effect on protein structure/function; This variant is associated with the following publications: (PMID: 33057194, 35982159, 34859529, 37331002)

CeGaT Center for Human Genetics Tuebingen
Classification: Uncertain significance. Last evaluated: 2026-02-01. Review status: criteria provided, single submitter. Criteria: CeGaT Center For Human Genetics Tuebingen Variant Classification Criteria Version 2. Collection method: clinical testing. Allele origin: germline. Affected: yes. Observed: 1 variant allele.
Comment: QRICH1: PM2, PM6

Ambry Genetics
Classification: Likely pathogenic for Inborn genetic diseases. Last evaluated: 2025-10-29. Review status: criteria provided, single submitter. Criteria: Ambry Variant Classification Scheme 2023. Collection method: clinical testing. Allele origin: germline.
Comment: The c.1649A>G (p.Y550C) alteration is located in exon 6 (coding exon 4) of the QRICH1 gene. This alteration results from a A to G substitution at nucleotide position 1649, causing the tyrosine (Y) at amino acid position 550 to be replaced by a cysteine (C). This variant was not reported in population-based cohorts in the Genome Aggregation Database (gnomAD). This variant was determined to be de novo in at least one individual with features consistent with QRICH1-related neurodevelopmental disorder (Kumble, 2022). This amino acid position is highly conserved in available vertebrate species. This alteration is predicted to be deleterious by in silico analysis. Based on the available evidence, this alteration is classified as likely pathogenic.

Institute of Human Genetics, University of Leipzig Medical Center
Classification: Likely pathogenic for Ververi-Brady syndrome 1. Last evaluated: 2021-12-21. Review status: criteria provided, single submitter. Criteria: ACMG Guidelines, 2015. Collection method: research. Allele origin: de novo. Affected: yes.

Literature cited by the submitters: PubMed 34859529 (cited by Ambry Genetics and Institute of Human Genetics, University of Leipzig Medical Center).